The following is an entry in ClinVar:

NM_001267550.2(TTN):c.4218_4219del (p.Pro1407fs)

Genes: TTN (titin; minus strand), LOC101927055 (uncharacterized LOC101927055; plus strand). Cytogenetic location: 2q31.2.
Variant type: Microsatellite.
Coding change: c.4218_4219del on transcript NM_001267550.2 (MANE Select); coding-DNA positions 4218 to 4219, 2 bases deleted (TC; older notation c.4218_4219delTC).
Protein change: p.Pro1407fs; shifts the reading frame from proline 1407.
Molecular consequence: frameshift variant. On other transcripts: non-coding transcript variant (1).
Genome position (GRCh38, 1-based): chr2:178,777,965-178,777,966, GA deleted on the plus strand (TC on the coding strand, the reverse complement: TTN is on the minus strand); deleting any 2 consecutive bases within chr2:178,777,965-178,777,974 gives the same sequence; the c. name uses the placement nearest the transcript's 3' end. VCF-style (leftmost placement, unchanged base first): chr2-178777964-GGA-G. GRCh37 (hg19) VCF-style: chr2-179642691-GGA-G.
Other names: c.4218_4219del, p.Pro1407fs (NM_001256850.1, NM_133378.4, NM_133379.5); c.4080_4081del, p.Pro1361fs (NM_003319.4, NM_133432.3, NM_133437.4); short protein forms P1361fs, P1407fs.
Identifiers: ClinVar variation 2130520 (VCV002130520.4), dbSNP rs2154346896, ClinGen allele CA2580616636.

ClinVar aggregate classification (germline): Likely pathogenic (1 of 4 stars; one submission).

Conditions:
Dilated cardiomyopathy 1G (CMD1G). Identifiers: Orphanet 154, MedGen C1858763, MONDO:0011400, OMIM 604145.
Autosomal recessive limb-girdle muscular dystrophy type 2J (LGMDR10). Also called: Limb-girdle muscular dystrophy, type 2J; MUSCULAR DYSTROPHY, LIMB-GIRDLE, AUTOSOMAL RECESSIVE 10. Identifiers: Orphanet 140922, MedGen C1837342, MONDO:0012127, OMIM 608807.

Submission:

Labcorp Genetics (formerly Invitae), Labcorp
Classification: Likely pathogenic for Dilated cardiomyopathy 1G; Autosomal recessive limb-girdle muscular dystrophy type 2J. Last evaluated: 2024-10-18. Review status: criteria provided, single submitter. Criteria: Invitae Variant Classification Sherloc (09022015). Collection method: clinical testing. Allele origin: germline.
Comment: This sequence change creates a premature translational stop signal (p.Pro1407Thrfs*35) in the TTN gene. While this is not anticipated to result in nonsense mediated decay, it is expected to create a truncated TTN protein. This variant is not present in population databases (gnomAD no frequency). This variant has not been observed in the literature in individuals with autosomal recessive TTN-related conditions. This variant has been reported in individual(s) with autosomal dominant dilated cardiomyopathy (internal data); however, the role of the variant in this condition is currently unclear. ClinVar contains an entry for this variant (Variation ID: 2130520). This variant is located in the Z band of TTN (PMID: 25589632). Truncating variants in this region have been reported in individuals affected with autosomal recessive centronuclear myopathy (PMID: 33449170, internal data). Truncating variants in this region have also been identified in individuals affected with autosomal dominant dilated cardiomyopathy and/or cardio-related conditions (PMID: 27869827, 32964742, internal data). In summary, the currently available evidence indicates that the variant is pathogenic, but additional data are needed to prove that conclusively. Therefore, this variant has been classified as Likely Pathogenic.

Literature cited by the submitters: PubMed 25589632; PubMed 33449170; PubMed 27869827; PubMed 32964742.